The following is an entry in ClinVar:

NM_001113491.2(SEPTIN9):c.1726A>G (p.Met576Val)

Gene: SEPTIN9 (septin 9; plus strand). Cytogenetic location: 17q25.3.
Variant type: single nucleotide variant.
Coding change: c.1726A>G on transcript NM_001113491.2 (MANE Select); coding-DNA position 1726, A replaced by G.
Protein change: p.Met576Val; replaces methionine 576 with valine.
Molecular consequence: missense variant.
Genome position (GRCh38, 1-based): chr17:77,498,623, A>G. VCF-style: chr17-77498623-A-G. GRCh37 (hg19) VCF-style: chr17-75494705-A-G.
Other names: p.Met558Val; c.1234A>G, p.Met412Val (NM_001113492.2, NM_001113494.1); c.1705A>G, p.Met569Val (NM_001113493.2); c.973A>G, p.Met325Val (NM_001113495.2, NM_001113496.2, NM_001293697.2 and 1 more transcripts); c.1669A>G, p.Met557Val (NM_001293695.2); c.1054A>G, p.Met352Val (NM_001293696.2); c.1672A>G, p.Met558Val (NM_006640.5); short protein forms M558V, M576V, M325V, M557V, M569V, M412V, M352V.
Identifiers: ClinVar variation 325568 (VCV000325568.20), dbSNP rs2627223, ClinGen allele CA8793925.

ClinVar aggregate classification (germline): Benign/Likely benign. Review status: criteria provided, multiple submitters, no conflicts (2 of 4 stars). 10 submissions from 10 submitters: Benign (7); Likely benign (1). 2 of the submissions do not count toward it. Last evaluated 2026-02-04.

Conditions:
Amyotrophic neuralgia (HNA). Also called: Hereditary Brachial Plexus Neuropathy; Neuritis with Brachial Predilection; AMYOTROPHY, HEREDITARY NEURALGIC, WITH PREDILECTION FOR BRACHIAL PLEXUS; AMYOTROPHY, HEREDITARY NEURALGIC. Identifiers: Orphanet 2901, MedGen C1834304, MONDO:0008076, OMIM 162100.

Allele frequency attached by ClinVar (database versions not stated): gnomAD 0.89112 and 0.89586; ESP Exome Variant Server 0.89232; TOPMed 0.89307; 1000 Genomes Project 30x 0.90069; 1000 Genomes Project 0.90655; ExAC 0.93714; gnomAD exomes 0.93920.
gnomAD v4.1: 1,495,994 of 1,605,190 alleles (93%); highest among the groups gnomAD compares: East Asian, 100%; 698,432 homozygotes.

Submissions (10):

Labcorp Genetics (formerly Invitae), Labcorp
Classification: Benign. Last evaluated: 2026-02-04. Review status: criteria provided, single submitter. Criteria: Invitae Variant Classification Sherloc (09022015). Collection method: clinical testing. Allele origin: germline.

Mayo Clinic Laboratories, Mayo Clinic
Classification: Benign. Last evaluated: 2025-03-18. Review status: criteria provided, single submitter. Criteria: ACMG Guidelines, 2015. Collection method: clinical testing. Allele origin: germline. Observed: 533 variant alleles.

Blueprint Genetics
Classification: Likely benign. Last evaluated: 2024-11-28. Review status: criteria provided, single submitter. Criteria: ACMG Guidelines, 2015. Collection method: clinical testing. Allele origin: germline.

Genome-Nilou Lab
Classification: Benign for Amyotrophic neuralgia. Last evaluated: 2021-12-05. Review status: criteria provided, single submitter. Criteria: ACMG Guidelines, 2015. Collection method: clinical testing. Allele origin: germline. Affected: no.

GeneDx
Classification: Benign. Last evaluated: 2018-07-08. Review status: criteria provided, single submitter. Criteria: GeneDx Variant Classification Process June 2021. Collection method: clinical testing. Allele origin: germline. Affected: yes.

Illumina Laboratory Services, Illumina
Classification: Benign for Amyotrophy, hereditary neuralgic. Last evaluated: 2018-01-12. Review status: criteria provided, single submitter. Criteria: ICSL Variant Classification Criteria 13 December 2019. Collection method: clinical testing. Allele origin: germline.
Comment: This variant was observed in the ICSL laboratory as part of a predisposition screen in an ostensibly healthy population. It had not been previously curated by ICSL or reported in the Human Gene Mutation Database (HGMD: prior to June 1st, 2018), and was therefore a candidate for classification through an automated scoring system. Utilizing variant allele frequency, disease prevalence and penetrance estimates, and inheritance mode, an automated score was calculated to assess if this variant is too frequent to cause the disease. Based on the score and internal cut-off values, a variant classified as benign is not then subjected to further curation. The score for this variant resulted in a classification of benign for this disease.

Athena Diagnostics
Classification: Benign. Last evaluated: 2017-07-12. Review status: criteria provided, single submitter. Criteria: Athena Diagnostics Criteria. Collection method: clinical testing. Allele origin: germline.

Breakthrough Genomics
Classification: Benign. Review status: criteria provided, single submitter. Criteria: ACMG Guidelines, 2015. Collection method: not provided. Allele origin: germline. Inheritance: Autosomal dominant inheritance. Affected: yes.

Clinical Genetics, Academic Medical Center
Classification: Benign. Review status: no assertion criteria provided. Collection method: clinical testing. Allele origin: germline. Affected: yes. Study: VKGL Data-share Consensus. Not counted in ClinVar's aggregate classification.

Diagnostic Laboratory, Department of Genetics, University Medical Center Groningen
Classification: Benign for Amyotrophic neuralgia. Review status: no assertion criteria provided. Collection method: clinical testing. Allele origin: germline. Affected: yes. Study: VKGL Data-share Consensus. Not counted in ClinVar's aggregate classification.